The following is an entry in ClinVar:

ClinVar aggregate classification (germline): Pathogenic (1 of 4 stars; one submission).

Conditions:
GM3 synthase deficiency (SPDRS). Also called: AMISH INFANTILE EPILEPSY SYNDROME; SALT AND PEPPER DEVELOPMENTAL REGRESSION SYNDROME; SALT AND PEPPER MENTAL RETARDATION SYNDROME. Identifiers: Orphanet 171714, Orphanet 370933, MedGen C1836824, MONDO:0018274, OMIM 609056.

gnomAD v4.1: 1 of 1,614,170 alleles (0.000062%); highest among the groups gnomAD compares: Non-Finnish European, 0.000085%; no homozygotes.

Submission:

Labcorp Genetics (formerly Invitae), Labcorp
Classification: Pathogenic for GM3 synthase deficiency. Last evaluated: 2023-12-11. Review status: criteria provided, single submitter. Criteria: Invitae Variant Classification Sherloc (09022015). Collection method: clinical testing. Allele origin: germline.
Comment: This sequence change affects a donor splice site in intron 6 of the ST3GAL5 gene. While this variant is not anticipated to result in nonsense mediated decay, it likely alters RNA splicing and results in a disrupted protein product. This variant is not present in population databases (gnomAD no frequency). This variant has not been reported in the literature in individuals affected with ST3GAL5-related conditions. Variants that disrupt the consensus splice site are a relatively common cause of aberrant splicing (PMID: 17576681, 9536098). Algorithms developed to predict the effect of sequence changes on RNA splicing suggest that this variant may disrupt the consensus splice site. This variant disrupts a region of the ST3GAL5 protein in which other variant(s) (p.Gly342Ser) have been determined to be pathogenic (PMID: 30576498, 32404165, 34906476). This suggests that this is a clinically significant region of the protein, and that variants that disrupt it are likely to be disease-causing. For these reasons, this variant has been classified as Pathogenic.

Literature cited by the submitters: PubMed 17576681; PubMed 9536098; PubMed 30576498; PubMed 32404165; PubMed 34906476.

NM_003896.4(ST3GAL5):c.1008+1G>A

Gene: ST3GAL5 (ST3 beta-galactoside alpha-2,3-sialyltransferase 5; minus strand). Cytogenetic location: 2p11.2.
Variant type: single nucleotide variant.
Coding change: c.1008+1G>A on transcript NM_003896.4 (MANE Select); the canonical splice donor site of the intron after coding-DNA position 1008, G replaced by A.
Molecular consequence: splice donor variant. On other transcripts: intron variant (1).
Genome position (GRCh38, 1-based): chr2:85,844,395, C>T on the plus strand (G>A on the coding strand, the complement: ST3GAL5 is on the minus strand). VCF-style: chr2-85844395-C-T. GRCh37 (hg19) VCF-style: chr2-86071518-C-T.
Other names: c.624+1G>A (NM_001354226.2, NM_001354233.2, NM_001354224.2 and 3 more transcripts); c.924+1G>A (NM_001354227.2, NM_001354229.2, NM_001354238.1); c.939+1G>A (NM_001042437.2); c.849+1982G>A (NM_001363847.1); c.285+1G>A (NM_001354247.1).
Identifiers: ClinVar variation 2800048 (VCV002800048.3), dbSNP rs763850093, ClinGen allele CA347503344.